The following is an entry in ClinVar:

NM_015047.3(EMC1):c.856G>A (p.Ala286Thr)

Genes: EMC1 (ER membrane protein complex subunit 1; minus strand), EMC1-AS1 (EMC1 antisense RNA 1; plus strand). Cytogenetic location: 1p36.13.
Variant type: single nucleotide variant.
Coding change: c.856G>A on transcript NM_015047.3 (MANE Select); coding-DNA position 856, G replaced by A.
Protein change: p.Ala286Thr; replaces alanine 286 with threonine.
Molecular consequence: missense variant.
Genome position (GRCh38, 1-based): chr1:19,239,916, C>T on the plus strand (G>A on the coding strand, the complement: EMC1 is on the minus strand). VCF-style: chr1-19239916-C-T. GRCh37 (hg19) VCF-style: chr1-19566410-C-T.
Other names: c.856G>A, p.Ala286Thr (NM_001271427.2, NM_001271428.2, NM_001375820.1 and 1 more transcripts); c.790G>A, p.Ala264Thr (NM_001271429.2); short protein forms A264T, A286T.
Identifiers: ClinVar variation 964244 (VCV000964244.8), dbSNP rs371520907, ClinGen allele CA652770.

ClinVar aggregate classification (germline): Uncertain significance (1 of 4 stars; one submission).

Allele frequency attached by ClinVar (database versions not stated): ExAC 0.00001; gnomAD exomes 0.00001 and 0.00002; gnomAD 0.00002 and 0.00003; TOPMed 0.00002; ESP Exome Variant Server 0.00008.
gnomAD v4.1: 41 of 1,613,882 alleles (0.0025%); highest among the groups gnomAD compares: African/African-American, 0.004%; no homozygotes.

Submission:

Labcorp Genetics (formerly Invitae), Labcorp
Classification: Uncertain significance. Last evaluated: 2025-12-16. Review status: criteria provided, single submitter. Criteria: Invitae Variant Classification Sherloc (09022015). Collection method: clinical testing. Allele origin: germline.
Comment: This sequence change replaces alanine, which is neutral and non-polar, with threonine, which is neutral and polar, at codon 286 of the EMC1 protein (p.Ala286Thr). This variant is present in population databases (rs371520907, gnomAD 0.002%). This variant has not been reported in the literature in individuals affected with EMC1-related conditions. ClinVar contains an entry for this variant (Variation ID: 964244). Invitae Evidence Modeling of protein sequence and biophysical properties (such as structural, functional, and spatial information, amino acid conservation, physicochemical variation, residue mobility, and thermodynamic stability) indicates that this missense variant is not expected to disrupt EMC1 protein function with a negative predictive value of 80%. In summary, the available evidence is currently insufficient to determine the role of this variant in disease. Therefore, it has been classified as a Variant of Uncertain Significance.